The following is an entry in ClinVar:

NM_001844.5(COL2A1):c.1085C>G (p.Ala362Gly)

Gene: COL2A1 (collagen type II alpha 1 chain; minus strand). Cytogenetic location: 12q13.11.
Variant type: single nucleotide variant.
Coding change: c.1085C>G on transcript NM_001844.5 (MANE Select); coding-DNA position 1085, C replaced by G.
Protein change: p.Ala362Gly; replaces alanine 362 with glycine.
Molecular consequence: missense variant.
Genome position (GRCh38, 1-based): chr12:47,989,265, G>C on the plus strand (C>G on the coding strand, the complement: COL2A1 is on the minus strand). VCF-style: chr12-47989265-G-C. GRCh37 (hg19) VCF-style: chr12-48383048-G-C.
Other names: c.878C>G, p.Ala293Gly (NM_033150.3); short protein forms A293G, A362G.
Identifiers: ClinVar variation 4747072 (VCV004747072.1).

ClinVar aggregate classification (germline): Uncertain significance (1 of 4 stars; one submission).

Submission:

Labcorp Genetics (formerly Invitae), Labcorp
Classification: Uncertain significance. Last evaluated: 2025-09-23. Review status: criteria provided, single submitter. Criteria: Invitae Variant Classification Sherloc (09022015). Collection method: clinical testing. Allele origin: germline.
Comment: This sequence change replaces alanine, which is neutral and non-polar, with glycine, which is neutral and non-polar, at codon 362 of the COL2A1 protein (p.Ala362Gly). This variant is not present in population databases (gnomAD no frequency). This variant has not been reported in the literature in individuals affected with COL2A1-related conditions. Invitae Evidence Modeling of protein sequence and biophysical properties (such as structural, functional, and spatial information, amino acid conservation, physicochemical variation, residue mobility, and thermodynamic stability) indicates that this missense variant is not expected to disrupt COL2A1 protein function with a negative predictive value of 95%. In summary, the available evidence is currently insufficient to determine the role of this variant in disease. Therefore, it has been classified as a Variant of Uncertain Significance.